The following is an entry in ClinVar:

ClinVar aggregate classification (germline): Uncertain significance. Review status: criteria provided, multiple submitters, no conflicts (2 of 4 stars). 2 submissions from 2 submitters: Uncertain significance (2). Last evaluated 2024-12-09.

Conditions:
RYR1-related disorder. Also called: RYR1-related condition; RYR1-related disorders. Identifiers: MedGen CN239331.
Malignant hyperthermia, susceptibility to, 1 (MHS1). Also called: Anesthesia related hyperthermia; Malignant hyperpyrexia; Fulminating hyperpyrexia; Pharmacogenic myopathy; RYR1-Related Malignant Hyperthermia Susceptibility; Malignant hyperthermia suceptibility 1. Identifiers: Orphanet 423, MedGen C2930980, MONDO:0007783, OMIM 145600.

Allele frequency attached by ClinVar (database versions not stated): gnomAD exomes below 0.00001.
gnomAD v4.1: 2 of 1,613,594 alleles (0.00012%); highest among the groups gnomAD compares: Non-Finnish European, 0.00017%; no homozygotes.

Submissions (2):

Labcorp Genetics (formerly Invitae), Labcorp
Classification: Uncertain significance for RYR1-related disorder. Last evaluated: 2024-12-09. Review status: criteria provided, single submitter. Criteria: Invitae Variant Classification Sherloc (09022015). Collection method: clinical testing. Allele origin: germline.
Comment: This sequence change replaces arginine, which is basic and polar, with histidine, which is basic and polar, at codon 1726 of the RYR1 protein (p.Arg1726His). This variant is not present in population databases (gnomAD no frequency). This variant has not been reported in the literature in individuals affected with RYR1-related conditions. ClinVar contains an entry for this variant (Variation ID: 3071504). Invitae Evidence Modeling of protein sequence and biophysical properties (such as structural, functional, and spatial information, amino acid conservation, physicochemical variation, residue mobility, and thermodynamic stability) indicates that this missense variant is not expected to disrupt RYR1 protein function with a negative predictive value of 80%. In summary, the available evidence is currently insufficient to determine the role of this variant in disease. Therefore, it has been classified as a Variant of Uncertain Significance.

All of Us Research Program, National Institutes of Health
Classification: Uncertain significance for Malignant hyperthermia, susceptibility to, 1. Last evaluated: 2024-05-14. Review status: criteria provided, single submitter. Criteria: ACMG Guidelines, 2015. Collection method: clinical testing. Allele origin: germline. Inheritance: Autosomal dominant inheritance. Observed: 2 variant alleles, 2 heterozygotes.
Comment: This missense variant replaces arginine with histidine at codon 1726 of the RYR1 protein. Computational prediction is inconclusive regarding the impact of this variant on protein structure and function (internally defined REVEL score threshold 0.5 < inconclusive < 0.7, PMID: 27666373). To our knowledge, functional studies have not been reported for this variant. This variant has not been reported in individuals affected with RYR1-related disorders in the literature. This variant has not been identified in the general population by the Genome Aggregation Database (gnomAD). The available evidence is insufficient to determine the role of this variant in disease conclusively. Therefore, this variant is classified as a Variant of Uncertain Significance.

This study involves interpretation of variants in research participants for the purpose of population health screening. Participant phenotype was not available at the time of variant classification. Additional details can be found in publication PMID: 35346344, PMCID: PMC8962531

NM_000540.3(RYR1):c.5177G>A (p.Arg1726His)

Gene: RYR1 (ryanodine receptor 1; plus strand). Cytogenetic location: 19q13.2.
Variant type: single nucleotide variant.
Coding change: c.5177G>A on transcript NM_000540.3 (MANE Select); coding-DNA position 5177, G replaced by A.
Protein change: p.Arg1726His; replaces arginine 1726 with histidine.
Molecular consequence: missense variant.
Genome position (GRCh38, 1-based): chr19:38,485,832, G>A. VCF-style: chr19-38485832-G-A. GRCh37 (hg19) VCF-style: chr19-38976472-G-A.
Other names: c.5177G>A, p.Arg1726His (NM_001042723.2); short protein forms R1726H.
Identifiers: ClinVar variation 3071504 (VCV003071504.3), dbSNP rs1283664977, ClinGen allele CA405654070.